The following is an entry in ClinVar:

NM_015386.3(COG4):c.854G>A (p.Arg285His)

Gene: COG4 (component of oligomeric golgi complex 4; minus strand). Cytogenetic location: 16q22.1.
Variant type: single nucleotide variant.
Coding change: c.854G>A on transcript NM_015386.3 (MANE Select); coding-DNA position 854, G replaced by A.
Protein change: p.Arg285His; replaces arginine 285 with histidine.
Molecular consequence: missense variant. On other transcripts: non-coding transcript variant (1).
Genome position (GRCh38, 1-based): chr16:70,509,379, C>T on the plus strand (G>A on the coding strand, the complement: COG4 is on the minus strand). VCF-style: chr16-70509379-C-T. GRCh37 (hg19) VCF-style: chr16-70543282-C-T.
Other names: c.842G>A, p.Arg281His (NM_001195139.2); c.428G>A, p.Arg143His (NM_001365426.1); short protein forms R143H, R281H, R285H.
Identifiers: ClinVar variation 1723716 (VCV001723716.3), dbSNP rs765111484, ClinGen allele CA8144545.

ClinVar aggregate classification (germline): Uncertain significance (1 of 4 stars; one submission).

Allele frequency attached by ClinVar (database versions not stated): ExAC 0.00001.

Submission:

GeneDx
Classification: Uncertain significance. Last evaluated: 2025-10-07. Review status: criteria provided, single submitter. Criteria: GeneDx Variant Classification Process June 2021. Collection method: clinical testing. Allele origin: germline. Affected: yes.
Comment: Not observed at significant frequency in large population cohorts (gnomAD); In silico analysis supports that this missense variant has a deleterious effect on protein structure/function; Has not been previously published as pathogenic or benign to our knowledge